The following is an entry in ClinVar:

NM_004656.4(BAP1):c.932-3C>G

Gene: BAP1 (BRCA1 associated deubiquitinase 1; minus strand). Cytogenetic location: 3p21.1.
Variant type: single nucleotide variant.
Coding change: c.932-3C>G on transcript NM_004656.4 (MANE Select); 3 bases into the intron before coding-DNA position 932, C replaced by G.
Molecular consequence: intron variant.
Genome position (GRCh38, 1-based): chr3:52,405,297, G>C on the plus strand (C>G on the coding strand, the complement: BAP1 is on the minus strand). VCF-style: chr3-52405297-G-C. GRCh37 (hg19) VCF-style: chr3-52439313-G-C.
Other names: c.878-3C>G (NM_001410772.1).
Identifiers: ClinVar variation 4194652 (VCV004194652.1).

ClinVar aggregate classification (germline): Uncertain significance (1 of 4 stars; one submission).

Conditions:
Hereditary cancer-predisposing syndrome. Also called: Neoplastic Syndromes, Hereditary; Tumor predisposition; Hereditary Cancer Syndrome; Hereditary neoplastic syndrome. Identifiers: Orphanet 140162, MedGen C0027672, MeSH D009386, MONDO:0015356.

Submission:

Ambry Genetics
Classification: Uncertain significance for Hereditary cancer-predisposing syndrome. Last evaluated: 2025-08-19. Review status: criteria provided, single submitter. Criteria: Ambry Variant Classification Scheme 2023. Collection method: clinical testing. Allele origin: germline.
Comment: The c.932-3C>G intronic variant results from a C to G substitution 3 nucleotides upstream from coding exon 11 in the BAP1 gene. In silico splice site analysis predicts that this alteration will weaken the native splice acceptor site; however, direct evidence is insufficient at this time (Ambry internal data). Based on the available evidence, the clinical significance of this variant remains unclear.